The following is an entry in ClinVar:

NM_000023.4(SGCA):c.498G>C (p.Glu166Asp)

Gene: SGCA (sarcoglycan alpha; plus strand). Cytogenetic location: 17q21.33.
Variant type: single nucleotide variant.
Coding change: c.498G>C on transcript NM_000023.4 (MANE Select); coding-DNA position 498, G replaced by C.
Protein change: p.Glu166Asp; replaces glutamic acid 166 with aspartic acid.
Molecular consequence: missense variant. On other transcripts: non-coding transcript variant (1).
Genome position (GRCh38, 1-based): chr17:50,168,486, G>C. VCF-style: chr17-50168486-G-C. GRCh37 (hg19) VCF-style: chr17-48245847-G-C.
Other names: c.498G>C, p.Glu166Asp (NM_001135697.3); short protein forms E166D.
Identifiers: ClinVar variation 1393065 (VCV001393065.6), dbSNP rs1598267318, ClinGen allele CA400179996.

ClinVar aggregate classification (germline): Uncertain significance (1 of 4 stars; one submission).

Conditions:
Autosomal recessive limb-girdle muscular dystrophy type 2D (LGMDR3). Also called: DUCHENNE-LIKE AUTOSOMAL RECESSIVE MUSCULAR DYSTROPHY, TYPE 2; MUSCULAR DYSTROPHY, LIMB-GIRDLE, AUTOSOMAL RECESSIVE 3; ADHALINOPATHY, PRIMARY. Identifiers: Orphanet 62, MedGen C2936332, MONDO:0011968, OMIM 608099. Disease mechanism: Affects gamma-sarcoglycan and also disrupts the integrity of the entire sarcoglycan complex..

Submission:

Labcorp Genetics (formerly Invitae), Labcorp
Classification: Uncertain significance for Autosomal recessive limb-girdle muscular dystrophy type 2D. Last evaluated: 2021-11-13. Review status: criteria provided, single submitter. Criteria: Invitae Variant Classification Sherloc (09022015). Collection method: clinical testing. Allele origin: germline.
Comment: This sequence change replaces glutamic acid, which is acidic and polar, with aspartic acid, which is acidic and polar, at codon 166 of the SGCA protein (p.Glu166Asp). This variant is not present in population databases (gnomAD no frequency). In summary, the available evidence is currently insufficient to determine the role of this variant in disease. Therefore, it has been classified as a Variant of Uncertain Significance. Algorithms developed to predict the effect of missense changes on protein structure and function (SIFT, PolyPhen-2, Align-GVGD) all suggest that this variant is likely to be tolerated. This variant has not been reported in the literature in individuals affected with SGCA-related conditions.